The following is an entry in ClinVar:

ClinVar aggregate classification (germline): Uncertain significance (1 of 4 stars; one submission).

Submission:

Labcorp Genetics (formerly Invitae), Labcorp
Classification: Uncertain significance. Last evaluated: 2022-10-24. Review status: criteria provided, single submitter. Criteria: Invitae Variant Classification Sherloc (09022015). Collection method: clinical testing. Allele origin: germline.
Comment: In summary, the available evidence is currently insufficient to determine the role of this variant in disease. Therefore, it has been classified as a Variant of Uncertain Significance. Algorithms developed to predict the effect of missense changes on protein structure and function are either unavailable or do not agree on the potential impact of this missense change (SIFT: "Not Available"; PolyPhen-2: "Probably Damaging"; Align-GVGD: "Not Available"). This variant has not been reported in the literature in individuals affected with TYROBP-related conditions. This variant is not present in population databases (gnomAD no frequency). This sequence change replaces tyrosine, which is neutral and polar, with cysteine, which is neutral and slightly polar, at codon 112 of the TYROBP protein (p.Tyr112Cys).

NM_003332.4(TYROBP):c.335A>G (p.Tyr112Cys)

Gene: TYROBP (transmembrane immune signaling adaptor TYROBP; minus strand). Cytogenetic location: 19q13.12.
Variant type: single nucleotide variant.
Coding change: c.335A>G on transcript NM_003332.4 (MANE Select); coding-DNA position 335, A replaced by G.
Protein change: p.Tyr112Cys; replaces tyrosine 112 with cysteine.
Molecular consequence: missense variant. On other transcripts: non-coding transcript variant (1).
Genome position (GRCh38, 1-based): chr19:35,904,576, T>C on the plus strand (A>G on the coding strand, the complement: TYROBP is on the minus strand). VCF-style: chr19-35904576-T-C. GRCh37 (hg19) VCF-style: chr19-36395478-T-C.
Other names: c.302A>G, p.Tyr101Cys (NM_001173514.2); c.299A>G, p.Tyr100Cys (NM_001173515.2); c.332A>G, p.Tyr111Cys (NM_198125.3); short protein forms Y101C, Y111C, Y112C, Y100C.
Identifiers: ClinVar variation 2095906 (VCV002095906.4), dbSNP rs2513969798, ClinGen allele CA405383485.
Genomic context (GRCh38, chr19:35,904,576, plus strand): 5'-CTTCAGGAATGGCTGGATCCAGGTATCATGTTGCTGACTGTCATGATTCGGGCTCATTTG[T>C]AATACGGCCTCTGTGTGTTGAGGTCGCTGTAGACATCCGACCTCTGACCCTGGAGCTCCT-3'
Protein context (NP_003323.1, residues 102-113): YSDLNTQRPY[Tyr112Cys]K